The following is an entry in ClinVar:

NM_006214.4(PHYH):c.75+1G>T

Genes: PHYH (phytanoyl-CoA 2-hydroxylase; minus strand), LOC130003374 (ATAC-STARR-seq lymphoblastoid silent region 2152; plus strand). Cytogenetic location: 10p13.
Variant type: single nucleotide variant.
Coding change: c.75+1G>T on transcript NM_006214.4 (MANE Select); the canonical splice donor site of the intron after coding-DNA position 75, G replaced by T.
Molecular consequence: splice donor variant.
Genome position (GRCh38, 1-based): chr10:13,299,967, C>A on the plus strand (G>T on the coding strand, the complement: PHYH is on the minus strand). VCF-style: chr10-13299967-C-A. GRCh37 (hg19) VCF-style: chr10-13341967-C-A.
Other names: c.75+1G>T (NM_006214.3, NM_001323083.2, NM_001323082.2).
Identifiers: ClinVar variation 1482969 (VCV001482969.12), dbSNP rs970229634, ClinGen allele CA203286355.

ClinVar aggregate classification (germline): Likely pathogenic. Review status: criteria provided, multiple submitters, no conflicts (2 of 4 stars). 3 submissions from 3 submitters: Likely pathogenic (3). Last evaluated 2025-11-06.

Conditions:
Refsum disease, classic. Also called: PHYH-Related Refsum Disease; HEREDOPATHIA ATACTICA POLYNEURITIFORMIS; HMSN IV; PHYTANIC ACID OXIDASE DEFICIENCY. Identifiers: Orphanet 773, MedGen C5780941, MONDO:1060256, OMIM 266500. Disease mechanism: loss of function.
PHYH-related disorder. Also called: PHYH-related condition.

Allele frequency attached by ClinVar (database versions not stated): TOPMed 0.00001; gnomAD exomes 0.00002.
gnomAD v4.1: 45 of 1,529,760 alleles (0.0029%); highest among the groups gnomAD compares: Non-Finnish European, 0.0038%; no homozygotes.

Submissions (3):

PreventionGenetics, part of Exact Sciences
Classification: Likely pathogenic for PHYH-related condition. Last evaluated: 2025-11-06. Review status: criteria provided, single submitter. Criteria: ACMG Guidelines, 2015. Collection method: clinical testing. Allele origin: germline.
Comment: The PHYH c.75+1G>T variant is predicted to disrupt the GT donor site and interfere with normal splicing. To our knowledge, this variant has not been reported in the literature in a patient with a PHYH related disorder. This variant is reported in 0.0095% of alleles in individuals of European (Finnish) descent in gnomAD. Variants that disrupt the consensus splice donor site in PHYH are expected to be pathogenic. This variant is interpreted as likely pathogenic.

Labcorp Genetics (formerly Invitae), Labcorp
Classification: Likely pathogenic. Last evaluated: 2023-12-28. Review status: criteria provided, single submitter. Criteria: Invitae Variant Classification Sherloc (09022015). Collection method: clinical testing. Allele origin: germline.
Comment: This sequence change affects a donor splice site in intron 1 of the PHYH gene. It is expected to disrupt RNA splicing. Variants that disrupt the donor or acceptor splice site typically lead to a loss of protein function (PMID: 16199547), and loss-of-function variants in PHYH are known to be pathogenic (PMID: 9326940, 14974078). The frequency data for this variant in the population databases is considered unreliable, as metrics indicate poor data quality at this position in the gnomAD database. This variant has not been reported in the literature in individuals affected with PHYH-related conditions. ClinVar contains an entry for this variant (Variation ID: 1482969). Algorithms developed to predict the effect of sequence changes on RNA splicing suggest that this variant may disrupt the consensus splice site. In summary, the currently available evidence indicates that the variant is pathogenic, but additional data are needed to prove that conclusively. Therefore, this variant has been classified as Likely Pathogenic.

Juno Genomics, Hangzhou Juno Genomics, Inc
Classification: Likely pathogenic for Refsum disease, classic. Review status: criteria provided, single submitter. Criteria: ACMG Guidelines, 2015. Collection method: clinical testing. Allele origin: germline.
Comment: Absent from controls (or at extremely low frequency if recessive) in Genome Aggregation Database.;Null variant in a gene where loss of function (LOF) is a known mechanism of disease.

Literature cited by the submitters: PubMed 16199547 (cited by Labcorp Genetics (formerly Invitae), Labcorp); PubMed 9326940 (cited by Labcorp Genetics (formerly Invitae), Labcorp); PubMed 14974078 (cited by Labcorp Genetics (formerly Invitae), Labcorp).